The following is an entry in ClinVar:

ClinVar aggregate classification (germline): Benign (1 of 4 stars; one submission).

Conditions:
DICER1-related tumor predisposition. Also called: DICER1 syndrome; DICER1-related pleuropulmonary blastoma cancer predisposition syndrome. Identifiers: Orphanet 284343, MedGen C3839822, MONDO:0100216.

gnomAD v4.1: 2 of 1,614,208 alleles (0.00012%); highest among the groups gnomAD compares: Non-Finnish European, 0.00017%; no homozygotes.

Submission:

Myriad Genetics, Inc.
Classification: Benign for DICER1-related tumor predisposition. Last evaluated: 2026-04-21. Review status: criteria provided, single submitter. Criteria: Myriad Autosomal Dominant, Autosomal Recessive and X-Linked Classification Criteria (2023). Collection method: clinical testing. Allele origin: unknown.
Comment: This variant is considered benign. This variant is a silent/synonymous amino acid change and it is not expected to impact splicing.

NM_177438.3(DICER1):c.5361T>G (p.Ser1787=)

Gene: DICER1 (dicer 1, ribonuclease III; minus strand). Cytogenetic location: 14q32.13.
Variant type: single nucleotide variant.
Coding change: c.5361T>G on transcript NM_177438.3 (MANE Select); coding-DNA position 5361, T replaced by G.
Protein change: p.Ser1787=; no amino-acid change (serine 1787 retained).
Molecular consequence: synonymous variant. On other transcripts: non-coding transcript variant (6).
Genome position (GRCh38, 1-based): chr14:95,093,891, A>C on the plus strand (T>G on the coding strand, the complement: DICER1 is on the minus strand). VCF-style: chr14-95093891-A-C. GRCh37 (hg19) VCF-style: chr14-95560228-A-C.
Other names: c.5361T>G, p.Ser1787= (NM_001195573.1, NM_001271282.3, NM_001291628.2 and 8 more transcripts); c.5079T>G, p.Ser1693= (NM_001395686.1); c.4956T>G, p.Ser1652= (NM_001395687.1, NM_001395688.1, NM_001395689.1 and 1 more transcripts); c.4794T>G, p.Ser1598= (NM_001395691.1); c.3678T>G, p.Ser1226= (NM_001395697.1).
Identifiers: ClinVar variation 4875980 (VCV004875980.1).